The following is an entry in ClinVar:

ClinVar aggregate classification (germline): Conflicting classifications of pathogenicity. Review status: criteria provided, conflicting classifications (1 of 4 stars). 2 submissions from 2 submitters: Uncertain significance (1); Likely benign (1). Last evaluated 2022-05-19.

Allele frequency attached by ClinVar (database versions not stated): gnomAD exomes below 0.00001.
gnomAD v4.1: 2 of 1,614,072 alleles (0.00012%); highest among the groups gnomAD compares: African/African-American, 0.0013%; no homozygotes.

Submissions (2):

Ambry Genetics
Classification: Likely benign. Last evaluated: 2022-05-19. Review status: criteria provided, single submitter. Criteria: Ambry Variant Classification Scheme 2023. Collection method: clinical testing. Allele origin: germline.

Genetic Services Laboratory, University of Chicago
Classification: Uncertain significance. Last evaluated: 2020-12-14. Review status: criteria provided, single submitter. Criteria: ACMG Guidelines, 2015. Collection method: clinical testing. Allele origin: germline. Affected: no.
Comment: DNA sequence analysis of the NPAT gene demonstrated a sequence change, c.2760A>G, in exon 13 which does not result in an amino acid change. This sequence change does not appear to have been previously described in patients with NPAT-related disorders and has also not been described in the rge population databases such as ExAC and gnomAD. In silico splice prediction programs provide inconclusive results for this sequence change. As the c.2760A>G sequence change does not result in a change in the NPAT amino acid sequence, it is possible that this change is non-pathogenic and represents a benign sequence variant of the NPAT gene, however functional studies have not been performed to prove this conclusively. The functional significance of this sequence change is not known at present and its contribution to this patient's disease phenotype cannot definitively be determined.

NM_002519.3(NPAT):c.2760A>G (p.Gln920=)

Gene: NPAT (nuclear protein, coactivator of histone transcription; minus strand). Cytogenetic location: 11q22.3.
Variant type: single nucleotide variant.
Coding change: c.2760A>G on transcript NM_002519.3 (MANE Select); coding-DNA position 2760, A replaced by G.
Protein change: p.Gln920=; no amino-acid change (glutamine 920 retained).
Molecular consequence: synonymous variant.
Genome position (GRCh38, 1-based): chr11:108,172,224, T>C on the plus strand (A>G on the coding strand, the complement: NPAT is on the minus strand). VCF-style: chr11-108172224-T-C. GRCh37 (hg19) VCF-style: chr11-108042951-T-C.
Other names: c.2760A>G, p.Gln920= (NM_001321307.1).
Identifiers: ClinVar variation 1337792 (VCV001337792.6), dbSNP rs2134834493, ClinGen allele CA476743418.